The following is an entry in ClinVar:

ClinVar aggregate classification (germline): Uncertain significance. Review status: criteria provided, single submitter (1 of 4 stars). 2 submissions from 2 submitters: Uncertain significance (1). 1 of the submissions does not count toward it. Last evaluated 2026-07-16.

Conditions:
Prostate cancer, hereditary, 1 (HPC1). Identifiers: Orphanet 1331, MedGen C4722327, MONDO:0011098, OMIM 601518.
Hereditary cancer-predisposing syndrome. Also called: Tumor predisposition; Hereditary Cancer Syndrome; Neoplastic Syndromes, Hereditary; Hereditary neoplastic syndrome. Identifiers: Orphanet 140162, MedGen C0027672, MeSH D009386, MONDO:0015356.

Submissions (2):

Ambry Genetics
Classification: Uncertain significance for Hereditary cancer-predisposing syndrome. Last evaluated: 2026-07-16. Review status: criteria provided, single submitter. Criteria: Ambry Variant Classification Scheme 2023. Collection method: clinical testing. Allele origin: germline.
Comment: The p.Q181* variant (also known as c.541C>T), located in coding exon 1 of the HOXB13 gene, results from a C to T substitution at nucleotide position 541. This changes the amino acid from a glutamine to a stop codon within coding exon 1. This variant is expected to result in loss of function by premature protein truncation or nonsense-mediated mRNA decay. However, loss of function has not been established as a mechanism of disease. Based on the available evidence, the clinical significance of this variant remains unclear.

Laboratory of Virology, Microbiology,  Quality and Medical Biotechnologies, Faculty of Sciences and Techniques - Mohammedia, Hassan II University of Casablanca
Classification: Uncertain significance for Prostate cancer, hereditary, 1. Review status: no assertion criteria provided. Collection method: clinical testing. Allele origin: somatic. Affected: yes. Not counted in ClinVar's aggregate classification.

NM_006361.6(HOXB13):c.541C>T (p.Gln181Ter)

Gene: HOXB13 (homeobox B13; minus strand). Cytogenetic location: 17q21.32.
Variant type: single nucleotide variant.
Coding change: c.541C>T on transcript NM_006361.6 (MANE Select); coding-DNA position 541, C replaced by T.
Protein change: p.Gln181Ter; replaces glutamine 181 with a stop codon.
Molecular consequence: nonsense.
Genome position (GRCh38, 1-based): chr17:48,728,053, G>A on the plus strand (C>T on the coding strand, the complement: HOXB13 is on the minus strand). VCF-style: chr17-48728053-G-A. GRCh37 (hg19) VCF-style: chr17-46805415-G-A.
Other names: short protein forms Q181*.
Identifiers: ClinVar variation 690840 (VCV000690840.3), dbSNP rs1597933874, ClinGen allele CA400107230.
Genomic context (GRCh38, chr17:48,728,053, plus strand): 5'-CTGCAAATGCTGCCTTCCAAAAGGGACCTGGTGGGTTCTGTTCTCCCTGGCAACACATCT[G>A]GCTGTTCCAGCCACCAGCGAGAGCCCAAGACTGGTAACTGTCCACAGGCAACAGGGAGTC-3'